The following is an entry in ClinVar:

NM_005431.2(XRCC2):c.126T>G (p.Asp42Glu)

Gene: XRCC2 (X-ray repair cross complementing 2; minus strand). Cytogenetic location: 7q36.1.
Variant type: single nucleotide variant.
Coding change: c.126T>G on transcript NM_005431.2 (MANE Select); coding-DNA position 126, T replaced by G.
Protein change: p.Asp42Glu; replaces aspartic acid 42 with glutamic acid.
Molecular consequence: missense variant.
Genome position (GRCh38, 1-based): chr7:152,649,359, A>C on the plus strand (T>G on the coding strand, the complement: XRCC2 is on the minus strand). VCF-style: chr7-152649359-A-C. GRCh37 (hg19) VCF-style: chr7-152346444-A-C.
Other names: short protein forms D42E.
Identifiers: ClinVar variation 1054063 (VCV001054063.13), dbSNP rs1435337206, ClinGen allele CA370199371.

ClinVar aggregate classification (germline): Uncertain significance. Review status: criteria provided, multiple submitters, no conflicts (2 of 4 stars). 2 submissions from 2 submitters: Uncertain significance (2). Last evaluated 2025-10-01.

Conditions:
Hereditary cancer-predisposing syndrome. Also called: Hereditary Cancer Syndrome; Tumor predisposition; Hereditary neoplastic syndrome; Neoplastic Syndromes, Hereditary. Identifiers: Orphanet 140162, MedGen C0027672, MeSH D009386, MONDO:0015356.

Allele frequency attached by ClinVar (database versions not stated): gnomAD exomes below 0.00001; gnomAD 0.00002; TOPMed 0.00003.
gnomAD v4.1: 4 of 1,571,650 alleles (0.00025%); highest among the groups gnomAD compares: Admixed American, 0.0076%; no homozygotes.

Submissions (2):

Ambry Genetics
Classification: Uncertain significance for Hereditary cancer-predisposing syndrome. Last evaluated: 2025-10-01. Review status: criteria provided, single submitter. Criteria: Ambry Variant Classification Scheme 2023. Collection method: clinical testing. Allele origin: germline.
Comment: The p.D42E variant (also known as c.126T>G), located in coding exon 3 of the XRCC2 gene, results from a T to G substitution at nucleotide position 126. The aspartic acid at codon 42 is replaced by glutamic acid, an amino acid with highly similar properties. This amino acid position is well conserved in available vertebrate species. In addition, this alteration is predicted to be tolerated by in silico analysis. Since supporting evidence is limited at this time, the clinical significance of this alteration remains unclear.

Labcorp Genetics (formerly Invitae), Labcorp
Classification: Uncertain significance. Last evaluated: 2023-05-01. Review status: criteria provided, single submitter. Criteria: Invitae Variant Classification Sherloc (09022015). Collection method: clinical testing. Allele origin: germline.
Comment: In summary, the available evidence is currently insufficient to determine the role of this variant in disease. Therefore, it has been classified as a Variant of Uncertain Significance. Advanced modeling of protein sequence and biophysical properties (such as structural, functional, and spatial information, amino acid conservation, physicochemical variation, residue mobility, and thermodynamic stability) performed at Invitae indicates that this missense variant is not expected to disrupt XRCC2 protein function. ClinVar contains an entry for this variant (Variation ID: 1054063). This variant has not been reported in the literature in individuals affected with XRCC2-related conditions. This variant is present in population databases (no rsID available, gnomAD 0.004%). This sequence change replaces aspartic acid, which is acidic and polar, with glutamic acid, which is acidic and polar, at codon 42 of the XRCC2 protein (p.Asp42Glu).